The following is an entry in ClinVar:

NM_052947.4(ALPK2):c.264G>A (p.Ser88=)

Gene: ALPK2 (alpha kinase 2; minus strand). Cytogenetic location: 18q21.31.
Variant type: single nucleotide variant.
Coding change: c.264G>A on transcript NM_052947.4 (MANE Select); coding-DNA position 264, G replaced by A.
Protein change: p.Ser88=; no amino-acid change (serine 88 retained).
Molecular consequence: synonymous variant.
Genome position (GRCh38, 1-based): chr18:58,580,512, C>T on the plus strand (G>A on the coding strand, the complement: ALPK2 is on the minus strand). VCF-style: chr18-58580512-C-T. GRCh37 (hg19) VCF-style: chr18-56247744-C-T.
Identifiers: ClinVar variation 1794308 (VCV001794308.4), dbSNP rs115018482, ClinGen allele CA8977480.

ClinVar aggregate classification (germline): Likely benign. Review status: criteria provided, single submitter (1 of 4 stars). 2 submissions from 2 submitters: Likely benign (1). 1 of the submissions does not count toward it. Last evaluated 2022-02-12.

Conditions:
ALPK2-related disorder. Also called: ALPK2-related condition.

Allele frequency attached by ClinVar (database versions not stated): ExAC 0.00165; ESP Exome Variant Server 0.00465; 1000 Genomes Project 0.00619; 1000 Genomes Project 30x 0.00625; TOPMed 0.00627.
gnomAD v4.1: 1,776 of 1,613,788 alleles (0.11%); highest among the groups gnomAD compares: African/African-American, 1.8%; 13 homozygotes.

Submissions (2):

Ambry Genetics
Classification: Likely benign. Last evaluated: 2022-02-12. Review status: criteria provided, single submitter. Criteria: Ambry Variant Classification Scheme 2023. Collection method: clinical testing. Allele origin: germline.

PreventionGenetics, part of Exact Sciences
Classification: Benign for ALPK2-related condition. Last evaluated: 2019-04-30. Review status: no assertion criteria provided. Collection method: clinical testing. Allele origin: germline. Not counted in ClinVar's aggregate classification.
Comment: This variant is classified as benign based on ACMG/AMP sequence variant interpretation guidelines (Richards et al. 2015 PMID: 25741868, with internal and published modifications).